The following is an entry in ClinVar:

ClinVar aggregate classification (germline): Uncertain significance (1 of 4 stars; one submission).

Conditions:
Bloom syndrome (BLM). Also called: Bloom-Torre-Machacek syndrome. Identifiers: Orphanet 125, MedGen C0005859, MONDO:0008876, OMIM 210900.

Submission:

Labcorp Genetics (formerly Invitae), Labcorp
Classification: Uncertain significance for Bloom syndrome. Last evaluated: 2024-07-22. Review status: criteria provided, single submitter. Criteria: Invitae Variant Classification Sherloc (09022015). Collection method: clinical testing. Allele origin: germline.
Comment: This sequence change replaces leucine, which is neutral and non-polar, with phenylalanine, which is neutral and non-polar, at codon 372 of the BLM protein (p.Leu372Phe). This variant is not present in population databases (gnomAD no frequency). This variant has not been reported in the literature in individuals affected with BLM-related conditions. ClinVar contains an entry for this variant (Variation ID: 1387444). Advanced modeling of protein sequence and biophysical properties (such as structural, functional, and spatial information, amino acid conservation, physicochemical variation, residue mobility, and thermodynamic stability) performed at Invitae indicates that this missense variant is expected to disrupt BLM protein function with a positive predictive value of 80%. In summary, the available evidence is currently insufficient to determine the role of this variant in disease. Therefore, it has been classified as a Variant of Uncertain Significance.

NM_000057.4(BLM):c.1114C>T (p.Leu372Phe)

Gene: BLM (BLM RecQ like helicase; plus strand). Cytogenetic location: 15q26.1.
Variant type: single nucleotide variant.
Coding change: c.1114C>T on transcript NM_000057.4 (MANE Select); coding-DNA position 1114, C replaced by T.
Protein change: p.Leu372Phe; replaces leucine 372 with phenylalanine.
Molecular consequence: missense variant. On other transcripts: 5 prime UTR variant (1).
Genome position (GRCh38, 1-based): chr15:90,760,173, C>T. VCF-style: chr15-90760173-C-T. GRCh37 (hg19) VCF-style: chr15-91303403-C-T.
Other names: c.1114C>T, p.Leu372Phe (NM_001287246.2, NM_001287247.2); c.-12C>T (NM_001287248.2); short protein forms L372F.
Identifiers: ClinVar variation 1387444 (VCV001387444.6), dbSNP rs1480729955, ClinGen allele CA393842338.